The following is an entry in ClinVar:

ClinVar aggregate classification (germline): Conflicting classifications of pathogenicity. Review status: criteria provided, conflicting classifications (1 of 4 stars). 6 submissions from 6 submitters: Uncertain significance (4); Likely benign (1). 1 of the submissions does not count toward it. Last evaluated 2026-02-09.

Conditions:
MYPN-related disorder. Also called: MYPN-related condition.
Dilated cardiomyopathy 1KK (CMD1KK). Identifiers: Orphanet 154, Orphanet 75249, MedGen C3714995, MONDO:0014100, OMIM 615248.

Allele frequency attached by ClinVar (database versions not stated): ExAC 0.00003; gnomAD exomes 0.00004; gnomAD 0.00007; TOPMed 0.00009; ESP Exome Variant Server 0.00015.
gnomAD v4.1: 177 of 1,614,066 alleles (0.011%); highest among the groups gnomAD compares: Non-Finnish European, 0.014%; no homozygotes.

Submissions (6):

PreventionGenetics, part of Exact Sciences
Classification: Uncertain significance for MYPN-related condition. Last evaluated: 2026-02-09. Review status: criteria provided, single submitter. Criteria: ACMG Guidelines, 2015. Collection method: clinical testing. Allele origin: germline.
Comment: The MYPN c.2642A>T variant is predicted to result in the amino acid substitution p.Asn881Ile. This variant has been reported as a variant of uncertain significance in two individuals with dilated cardiomyopathy, and one of the individuals also carried additional variants in cardiomyopathy-associated genes (Table S4, Verdonschot et al. 2020. PubMed ID: 32880476). This variant is reported in 0.0062% of alleles in individuals of European (Non-Finnish) descent in gnomAD. At this time, the clinical significance of this variant is uncertain due to the absence of conclusive functional and genetic evidence.

GeneDx
Classification: Uncertain significance. Last evaluated: 2025-10-30. Review status: criteria provided, single submitter. Criteria: GeneDx Variant Classification Process June 2021. Collection method: clinical testing. Allele origin: germline. Affected: yes.
Comment: In silico analysis supports that this missense variant has a deleterious effect on protein structure/function; Observed in patients with dilated cardiomyopathy (PMID: 32880476); This variant is associated with the following publications: (PMID: 18006477, 32880476)

Labcorp Genetics (formerly Invitae), Labcorp
Classification: Uncertain significance for Dilated cardiomyopathy 1KK. Last evaluated: 2024-11-19. Review status: criteria provided, single submitter. Criteria: Invitae Variant Classification Sherloc (09022015). Collection method: clinical testing. Allele origin: germline.
Comment: This sequence change replaces asparagine, which is neutral and polar, with isoleucine, which is neutral and non-polar, at codon 881 of the MYPN protein (p.Asn881Ile). This variant is present in population databases (rs71584493, gnomAD 0.008%). This missense change has been observed in individual(s) with dilated cardiomyopathy (PMID: 32880476). ClinVar contains an entry for this variant (Variation ID: 31810). An algorithm developed to predict the effect of missense changes on protein structure and function (PolyPhen-2) suggests that this variant¬†is likely to be tolerated. In summary, the available evidence is currently insufficient to determine the role of this variant in disease. Therefore, it has been classified as a Variant of Uncertain Significance.

Blueprint Genetics
Classification: Likely benign. Last evaluated: 2024-09-10. Review status: criteria provided, single submitter. Criteria: ACMG Guidelines, 2015. Collection method: clinical testing. Allele origin: germline.

Mayo Clinic Laboratories, Mayo Clinic
Classification: Uncertain significance. Last evaluated: 2021-01-08. Review status: criteria provided, single submitter. Criteria: ACMG Guidelines, 2015. Collection method: clinical testing. Allele origin: germline. Observed: 1 variant allele.

Leiden Muscular Dystrophy (MYPN)
No classification provided. Last evaluated: 2012-04-27. Review status: no classification provided. Collection method: curation. Allele origin: germline. Not counted in ClinVar's aggregate classification.

Literature cited by the submitters: PubMed 32880476 (cited by Labcorp Genetics (formerly Invitae), Labcorp).

NM_032578.4(MYPN):c.2642A>T (p.Asn881Ile)

Gene: MYPN (myopalladin; plus strand). Cytogenetic location: 10q21.3.
Variant type: single nucleotide variant.
Coding change: c.2642A>T on transcript NM_032578.4 (MANE Select); coding-DNA position 2642, A replaced by T.
Protein change: p.Asn881Ile; replaces asparagine 881 with isoleucine.
Molecular consequence: missense variant. On other transcripts: non-coding transcript variant (1).
Genome position (GRCh38, 1-based): chr10:68,175,400, A>T. VCF-style: chr10-68175400-A-T. GRCh37 (hg19) VCF-style: chr10-69935157-A-T.
Other names: c.2642A>T, p.Asn881Ile (NM_001256267.2); c.1760A>T, p.Asn587Ile (NM_001256268.2); short protein forms N881I, N587I.
Identifiers: ClinVar variation 31810 (VCV000031810.20), dbSNP rs71584493, ClinGen allele CA215316.